The following is an entry in ClinVar:

ClinVar aggregate classification (germline): Uncertain significance (1 of 4 stars; one submission).

Conditions:
Costello syndrome (CSTLO). Also called: FACIOCUTANEOSKELETAL SYNDROME; HRAS-Related Costello Syndrome; FCS SYNDROME. Identifiers: Orphanet 3071, MedGen C0587248, MONDO:0009026, OMIM 218040.

Allele frequency attached by ClinVar (database versions not stated): gnomAD below 0.00001 and 0.00001; gnomAD exomes 0.00001.
gnomAD v4.1: 6 of 1,613,522 alleles (0.00037%); highest among the groups gnomAD compares: South Asian, 0.0055%; no homozygotes.

Submission:

Labcorp Genetics (formerly Invitae), Labcorp
Classification: Uncertain significance for Costello syndrome. Last evaluated: 2024-10-22. Review status: criteria provided, single submitter. Criteria: Invitae Variant Classification Sherloc (09022015). Collection method: clinical testing. Allele origin: germline.
Comment: This sequence change replaces arginine, which is basic and polar, with glutamine, which is neutral and polar, at codon 135 of the HRAS protein (p.Arg135Gln). This variant is present in population databases (no rsID available, gnomAD 0.01%). This variant has not been reported in the literature in individuals affected with HRAS-related conditions. ClinVar contains an entry for this variant (Variation ID: 1002072). Invitae Evidence Modeling of protein sequence and biophysical properties (such as structural, functional, and spatial information, amino acid conservation, physicochemical variation, residue mobility, and thermodynamic stability) indicates that this missense variant is not expected to disrupt HRAS protein function with a negative predictive value of 95%. In summary, the available evidence is currently insufficient to determine the role of this variant in disease. Therefore, it has been classified as a Variant of Uncertain Significance.

NM_005343.4(HRAS):c.404G>A (p.Arg135Gln)

Genes: HRAS (HRas proto-oncogene, GTPase; minus strand), LRRC56 (leucine rich repeat containing 56; plus strand). Cytogenetic location: 11p15.5.
Variant type: single nucleotide variant.
Coding change: c.404G>A on transcript NM_005343.4 (MANE Select); coding-DNA position 404, G replaced by A.
Protein change: p.Arg135Gln; replaces arginine 135 with glutamine.
Molecular consequence: missense variant.
Genome position (GRCh38, 1-based): chr11:533,499, C>T on the plus strand (G>A on the coding strand, the complement: HRAS is on the minus strand). VCF-style: chr11-533499-C-T. GRCh37 (hg19) VCF-style: chr11-533499-C-T.
Other names: c.404G>A, p.Arg135Gln (NM_001130442.3, NM_176795.5); c.85G>A, p.Glu29Lys (NM_001318054.2); short protein forms E29K, R135Q.
Identifiers: ClinVar variation 1002072 (VCV001002072.9), dbSNP rs1473091760, ClinGen allele CA378922965.